The following is an entry in ClinVar:

NM_016507.4(CDK12):c.1853C>T (p.Ala618Val)

Gene: CDK12 (cyclin dependent kinase 12; plus strand). Cytogenetic location: 17q12.
Variant type: single nucleotide variant.
Coding change: c.1853C>T on transcript NM_016507.4 (MANE Select); coding-DNA position 1853, C replaced by T.
Protein change: p.Ala618Val; replaces alanine 618 with valine.
Molecular consequence: missense variant.
Genome position (GRCh38, 1-based): chr17:39,471,685, C>T. VCF-style: chr17-39471685-C-T. GRCh37 (hg19) VCF-style: chr17-37627938-C-T.
Other names: c.1853C>T, p.Ala618Val (NM_015083.4); short protein forms A618V.
Identifiers: ClinVar variation 3999331 (VCV003999331.1).

ClinVar aggregate classification (germline): Uncertain significance (1 of 4 stars; one submission).

gnomAD v4.1: 1 of 1,614,084 alleles (0.000062%); highest among the groups gnomAD compares: South Asian, 0.0011%; no homozygotes.

Submission:

Ambry Genetics
Classification: Uncertain significance. Last evaluated: 2025-04-07. Review status: criteria provided, single submitter. Criteria: Ambry Variant Classification Scheme 2023. Collection method: clinical testing. Allele origin: germline.
Comment: The p.A618V variant (also known as c.1853C>T), located in coding exon 2 of the CDK12 gene, results from a C to T substitution at nucleotide position 1853. The alanine at codon 618 is replaced by valine, an amino acid with similar properties. This amino acid position is conserved. In addition, this alteration is predicted to be tolerated by in silico analysis. Based on the available evidence, the clinical significance of this variant remains unclear.